The following is an entry in ClinVar:

NM_015662.3(IFT172):c.2962C>T (p.Arg988Cys)

Gene: IFT172 (intraflagellar transport 172; minus strand). Cytogenetic location: 2p23.3.
Variant type: single nucleotide variant.
Coding change: c.2962C>T on transcript NM_015662.3 (MANE Select); coding-DNA position 2962, C replaced by T.
Protein change: p.Arg988Cys; replaces arginine 988 with cysteine.
Molecular consequence: missense variant.
Genome position (GRCh38, 1-based): chr2:27,458,139, G>A on the plus strand (C>T on the coding strand, the complement: IFT172 is on the minus strand). VCF-style: chr2-27458139-G-A. GRCh37 (hg19) VCF-style: chr2-27681006-G-A.
Other names: c.2896C>T, p.Arg966Cys (NM_001410739.1); c.2962C>T (NM_015662.2); short protein forms R966C, R988C.
Identifiers: ClinVar variation 2146442 (VCV002146442.5), dbSNP rs780982171, ClinGen allele CA1580134.

ClinVar aggregate classification (germline): Uncertain significance. Review status: criteria provided, multiple submitters, no conflicts (2 of 4 stars). 4 submissions from 4 submitters: Uncertain significance (4). Last evaluated 2026-06-27.

Conditions:
Short-rib thoracic dysplasia 10 with or without polydactyly (SRTD10). Identifiers: Orphanet 474, MedGen C3810175, MONDO:0014284, OMIM 615630.
Bardet-Biedl syndrome 20. Identifiers: MedGen C4310707, MONDO:0023670, OMIM 619471, MONDO:0014926.
Retinitis pigmentosa 71 (RP71). Identifiers: Orphanet 791, MedGen C4225342, MONDO:0014618, OMIM 616394.
IFT172-related disorder. Also called: IFT172-related condition; IFT172-related disorders.

Allele frequency attached by ClinVar (database versions not stated): gnomAD exomes below 0.00001; ExAC 0.00001; gnomAD 0.00003; TOPMed 0.00008.
gnomAD v4.1: 17 of 1,613,890 alleles (0.0011%); highest among the groups gnomAD compares: African/African-American, 0.012%; no homozygotes.

Submissions (4):

PreventionGenetics, part of Exact Sciences
Classification: Uncertain significance for IFT172-related condition. Last evaluated: 2026-06-27. Review status: criteria provided, single submitter. Criteria: ACMG Guidelines, 2015. Collection method: clinical testing. Allele origin: germline.
Comment: The IFT172 c.2962C>T variant is predicted to result in the amino acid substitution p.Arg988Cys. To our knowledge, this variant has not been reported in the literature. This variant is reported in 0.018% of alleles in individuals of African descent in gnomAD. At this time, the clinical significance of this variant is uncertain due to the absence of conclusive functional and genetic evidence.

GeneDx
Classification: Uncertain significance. Last evaluated: 2024-07-08. Review status: criteria provided, single submitter. Criteria: GeneDx Variant Classification Process June 2021. Collection method: clinical testing. Allele origin: germline. Affected: yes.
Comment: In silico analysis supports that this missense variant has a deleterious effect on protein structure/function; Has not been previously published as pathogenic or benign to our knowledge

Fulgent Genetics
Classification: Uncertain significance for Short-rib thoracic dysplasia 10 with or without polydactyly; Retinitis pigmentosa 71; Bardet-Biedl syndrome 20. Last evaluated: 2024-06-04. Review status: criteria provided, single submitter. Criteria: ACMG Guidelines, 2015. Collection method: clinical testing. Allele origin: germline.

Labcorp Genetics (formerly Invitae), Labcorp
Classification: Uncertain significance for Retinitis pigmentosa 71; Short-rib thoracic dysplasia 10 with or without polydactyly. Last evaluated: 2022-11-22. Review status: criteria provided, single submitter. Criteria: Invitae Variant Classification Sherloc (09022015). Collection method: clinical testing. Allele origin: germline.
Comment: This variant has not been reported in the literature in individuals affected with IFT172-related conditions. This variant is present in population databases (rs780982171, gnomAD 0.02%). This sequence change replaces arginine, which is basic and polar, with cysteine, which is neutral and slightly polar, at codon 988 of the IFT172 protein (p.Arg988Cys). Advanced modeling of protein sequence and biophysical properties (such as structural, functional, and spatial information, amino acid conservation, physicochemical variation, residue mobility, and thermodynamic stability) has been performed at Invitae for this missense variant, however the output from this modeling did not meet the statistical confidence thresholds required to predict the impact of this variant on IFT172 protein function. In summary, the available evidence is currently insufficient to determine the role of this variant in disease. Therefore, it has been classified as a Variant of Uncertain Significance.